The following is an entry in ClinVar:

NM_024426.6(WT1):c.1477A>G (p.Ser493Gly)

Gene: WT1 (WT1 transcription factor; minus strand). Cytogenetic location: 11p13.
Variant type: single nucleotide variant.
Coding change: c.1477A>G on transcript NM_024426.6 (MANE Select); coding-DNA position 1477, A replaced by G.
Protein change: p.Ser493Gly; replaces serine 493 with glycine.
Molecular consequence: missense variant. On other transcripts: non-coding transcript variant (1).
Genome position (GRCh38, 1-based): chr11:32,389,150, T>C on the plus strand (A>G on the coding strand, the complement: WT1 is on the minus strand). VCF-style: chr11-32389150-T-C. GRCh37 (hg19) VCF-style: chr11-32410696-T-C.
Other names: c.1417A>G, p.Ser473Gly (NM_000378.6); c.817A>G, p.Ser273Gly (NM_001198551.2); c.775A>G, p.Ser259Gly (NM_001198552.2); c.289A>G, p.Ser97Gly (NM_001367854.1); c.1462A>G, p.Ser488Gly (NM_001407044.1); c.1426A>G, p.Ser476Gly (NM_001407045.1); c.1384A>G, p.Ser462Gly (NM_001407046.1); c.1345A>G, p.Ser449Gly (NM_001407047.1); and 6 more; short protein forms S493G, S97G, S473G, S490G, S259G, S273G, S449G, S471G.
Identifiers: ClinVar variation 951141 (VCV000951141.12), dbSNP rs776256676, ClinGen allele CA064631.

ClinVar aggregate classification (germline): Uncertain significance. Review status: criteria provided, multiple submitters, no conflicts (2 of 4 stars). 4 submissions from 4 submitters: Uncertain significance (4). Last evaluated 2026-01-17.

Conditions:
Drash syndrome (DDS). Also called: WILMS TUMOR AND PSEUDO- OR TRUE HERMAPHRODITISM; NEPHROPATHY, WILMS TUMOR, AND GENITAL ANOMALIES. Identifiers: Orphanet 220, MedGen C0950121, MONDO:0008682, OMIM 194080.
Meacham syndrome. Also called: Meacham Winn Culler syndrome. Identifiers: Orphanet 3097, MedGen C1837026, MONDO:0012164, OMIM 608978.
Mesothelioma, malignant (MESOM). Also called: Malignant mesothelioma (disease). Identifiers: Orphanet 50251, MedGen C0345967, MONDO:0006292, OMIM 156240, HP:0100001.
Frasier syndrome. Identifiers: Orphanet 347, MedGen C0950122, MeSH D052159, MONDO:0007635, OMIM 136680.
Nephrotic syndrome, type 4 (NPHS4). Also called: Familial mesangial sclerosis; Nephrotic syndrome, early onset with diffuse mesangial sclerosis. Identifiers: Orphanet 656, MedGen C3151568, MONDO:0009733, OMIM 256370.
Wilms tumor 1 (WT1). Also called: Wilms tumor, somatic. Identifiers: Orphanet 654, MedGen CN033288, MONDO:0008679, OMIM 194070.
11p partial monosomy syndrome (WAGR). Also called: WAGR syndrome; CHROMOSOME 11p13 DELETION SYNDROME; WAGR Complex; WAGR Spectrum Disorder. Identifiers: Orphanet 893, MedGen C0206115, MONDO:0008681, OMIM 194072.
Inborn genetic diseases. Identifiers: MedGen C0950123, MeSH D030342.
Hereditary cancer-predisposing syndrome. Also called: Tumor predisposition; Hereditary neoplastic syndrome; Neoplastic Syndromes, Hereditary; Hereditary Cancer Syndrome. Identifiers: Orphanet 140162, MedGen C0027672, MeSH D009386, MONDO:0015356.

Allele frequency attached by ClinVar (database versions not stated): gnomAD exomes below 0.00001 and 0.00001; TOPMed below 0.00001; ExAC 0.00001; gnomAD 0.00001.
gnomAD v4.1: 18 of 1,614,066 alleles (0.0011%); highest among the groups gnomAD compares: Non-Finnish European, 0.0015%; no homozygotes.

Submissions (4):

Labcorp Genetics (formerly Invitae), Labcorp
Classification: Uncertain significance for Wilms tumor 1; Drash syndrome; 11p partial monosomy syndrome; Frasier syndrome. Last evaluated: 2026-01-17. Review status: criteria provided, single submitter. Criteria: Invitae Variant Classification Sherloc (09022015). Collection method: clinical testing. Allele origin: germline.
Comment: This sequence change replaces serine, which is neutral and polar, with glycine, which is neutral and non-polar, at codon 488 of the WT1 protein (p.Ser488Gly). This variant is present in population databases (rs776256676, gnomAD 0.0009%). This variant has not been reported in the literature in individuals affected with WT1-related conditions. ClinVar contains an entry for this variant (Variation ID: 951141). Invitae Evidence Modeling of protein sequence and biophysical properties (such as structural, functional, and spatial information, amino acid conservation, physicochemical variation, residue mobility, and thermodynamic stability) indicates that this missense variant is not expected to disrupt WT1 protein function with a negative predictive value of 95%. In summary, the available evidence is currently insufficient to determine the role of this variant in disease. Therefore, it has been classified as a Variant of Uncertain Significance.

Ambry Genetics
Classification: Uncertain significance for Inborn genetic diseases. Last evaluated: 2024-12-16. Review status: criteria provided, single submitter. Criteria: Ambry Variant Classification Scheme 2023. Collection method: clinical testing. Allele origin: germline.
Comment: The p.S488G variant (also known as c.1462A>G), located in coding exon 10 of the WT1 gene, results from an A to G substitution at nucleotide position 1462. The serine at codon 488 is replaced by glycine, an amino acid with similar properties. This amino acid position is conserved. In addition, this alteration is predicted to be tolerated by in silico analysis. Based on the available evidence, the clinical significance of this variant remains unclear.

Fulgent Genetics
Classification: Uncertain significance for Frasier syndrome; Mesothelioma, malignant; Wilms tumor 1; Drash syndrome; Nephrotic syndrome, type 4; Meacham syndrome. Last evaluated: 2024-04-29. Review status: criteria provided, single submitter. Criteria: ACMG Guidelines, 2015. Collection method: clinical testing. Allele origin: germline.

Sema4
Classification: Uncertain significance for Hereditary cancer-predisposing syndrome. Last evaluated: 2021-06-09. Review status: criteria provided, single submitter. Criteria: Sema4 Curation Guidelines. Collection method: curation. Allele origin: germline.
Comment: The WT1 c.1462A>G (p.S488G) variant has not been reported in the literature to our knowledge. It was observed in 1/113712 chromosomes in the Non-Finnish European subpopulation in the large and broad cohorts of the Genome Aggregation Database (PMID: 32461654). The variant has been reported in ClinVar (Variation ID:951141). In silico tools suggest the impact of the variant on protein function is inconclusive, though these predictions have not been confirmed by functional studies. The evidence is insufficient to meet ACMG/AMP criteria for classifying the variant as benign or pathogenic. Thus, the clinical significance of this variant is currently uncertain.